The following is an entry in ClinVar:

NM_018341.3(ERMARD):c.1976G>T (p.Ser659Ile)

Gene: ERMARD (ER membrane associated RNA degradation; plus strand). Cytogenetic location: 6q27.
Variant type: single nucleotide variant.
Coding change: c.1976G>T on transcript NM_018341.3 (MANE Select); coding-DNA position 1976, G replaced by T.
Protein change: p.Ser659Ile; replaces serine 659 with isoleucine.
Molecular consequence: missense variant.
Genome position (GRCh38, 1-based): chr6:169,781,452, G>T. VCF-style: chr6-169781452-G-T. GRCh37 (hg19) VCF-style: chr6-170181548-G-T.
Other names: c.1835G>T, p.Ser612Ile (NM_001278531.2); c.1598G>T, p.Ser533Ile (NM_001278532.2); c.1757G>T, p.Ser586Ile (NM_001278533.2); short protein forms S659I, S586I, S533I, S612I.
Identifiers: ClinVar variation 516670 (VCV000516670.8), dbSNP rs117593791, ClinGen allele CA4106480.

ClinVar aggregate classification (germline): Conflicting classifications of pathogenicity. Review status: criteria provided, conflicting classifications (1 of 4 stars). 3 submissions from 3 submitters: Uncertain significance (1); Likely benign (2). Last evaluated 2025-05-27.

Conditions:
ERMARD-related disorder. Also called: ERMARD-related condition.

Allele frequency attached by ClinVar (database versions not stated): 1000 Genomes Project 30x 0.00016; gnomAD exomes 0.00077; TOPMed 0.00077; ExAC 0.00085; gnomAD 0.00088; ESP Exome Variant Server 0.00131.
gnomAD v4.1: 2,061 of 1,611,692 alleles (0.13%); highest among the groups gnomAD compares: Non-Finnish European, 0.17%; 1 homozygote.

Submissions (3):

PreventionGenetics, part of Exact Sciences
Classification: Likely benign for ERMARD-related condition. Last evaluated: 2025-05-27. Review status: criteria provided, single submitter. Criteria: ACMG Guidelines, 2015. Collection method: clinical testing. Allele origin: germline.
Comment: This variant is classified as likely benign based on ACMG/AMP sequence variant interpretation guidelines (Richards et al. 2015 PMID: 25741868, with internal and published modifications).

Labcorp Genetics (formerly Invitae), Labcorp
Classification: Uncertain significance. Last evaluated: 2025-03-31. Review status: criteria provided, single submitter. Criteria: Invitae Variant Classification Sherloc (09022015). Collection method: clinical testing. Allele origin: germline.
Comment: This sequence change replaces serine, which is neutral and polar, with isoleucine, which is neutral and non-polar, at codon 659 of the ERMARD protein (p.Ser659Ile). This variant is present in population databases (rs117593791, gnomAD 0.1%), and has an allele count higher than expected for a pathogenic variant. This variant has not been reported in the literature in individuals affected with ERMARD-related conditions. ClinVar contains an entry for this variant (Variation ID: 516670). Invitae Evidence Modeling of protein sequence and biophysical properties (such as structural, functional, and spatial information, amino acid conservation, physicochemical variation, residue mobility, and thermodynamic stability) indicates that this missense variant is not expected to disrupt ERMARD protein function with a negative predictive value of 80%. In summary, the available evidence is currently insufficient to determine the role of this variant in disease. Therefore, it has been classified as a Variant of Uncertain Significance.

GeneDx
Classification: Likely benign. Last evaluated: 2018-01-04. Review status: criteria provided, single submitter. Criteria: GeneDx Variant Classification (06012015). Collection method: clinical testing. Allele origin: germline. Affected: yes.
Comment: This variant is considered likely benign or benign based on one or more of the following criteria: it is a conservative change, it occurs at a poorly conserved position in the protein, it is predicted to be benign by multiple in silico algorithms, and/or has population frequency not consistent with disease.